The following is an entry in ClinVar:

ClinVar aggregate classification (germline): Pathogenic (1 of 4 stars; one submission).

Conditions:
Mucolipidosis type II. Also called: Mucolipidosis 2; ML 2; Inclusion cell disease; Leroy Disease; N-acetylglucosamine 1phosphotransferase deficiency; ML disorder type 2. Identifiers: Orphanet 576, MedGen C2673377, MONDO:0009650, OMIM 252500.
Pseudo-Hurler polydystrophy. Also called: ML IIIA; Mucolipidosis III Alpha/Beta; MUCOLIPIDOSIS IIIA; ML III; ML III ALPHA/BETA; Type III Mucolipidosis. Identifiers: Orphanet 423461, Orphanet 577, MedGen C0033788, MONDO:0018931, OMIM 252600.

Submission:

Labcorp Genetics (formerly Invitae), Labcorp
Classification: Pathogenic for Pseudo-Hurler polydystrophy; Mucolipidosis type II. Last evaluated: 2022-03-02. Review status: criteria provided, single submitter. Criteria: Invitae Variant Classification Sherloc (09022015). Collection method: clinical testing. Allele origin: germline.
Comment: For these reasons, this variant has been classified as Pathogenic. This variant has not been reported in the literature in individuals affected with GNPTAB-related conditions. This variant is not present in population databases (gnomAD no frequency). This sequence change creates a premature translational stop signal (p.Tyr916*) in the GNPTAB gene. It is expected to result in an absent or disrupted protein product. Loss-of-function variants in GNPTAB are known to be pathogenic (PMID: 19617216, 25107912).

Literature cited by the submitters: PubMed 19617216; PubMed 25107912.

NM_024312.5(GNPTAB):c.2748C>G (p.Tyr916Ter)

Gene: GNPTAB (N-acetylglucosamine-1-phosphate transferase subunits alpha and beta; minus strand). Cytogenetic location: 12q23.2.
Variant type: single nucleotide variant.
Coding change: c.2748C>G on transcript NM_024312.5 (MANE Select); coding-DNA position 2748, C replaced by G.
Protein change: p.Tyr916Ter; replaces tyrosine 916 with a stop codon.
Molecular consequence: nonsense.
Genome position (GRCh38, 1-based): chr12:101,761,731, G>C on the plus strand (C>G on the coding strand, the complement: GNPTAB is on the minus strand). VCF-style: chr12-101761731-G-C. GRCh37 (hg19) VCF-style: chr12-102155509-G-C.
Other names: short protein forms Y916*.
Identifiers: ClinVar variation 2098459 (VCV002098459.4), dbSNP rs143931833, ClinGen allele CA386296446.
Genomic context (GRCh38, chr12:101,761,731, plus strand): 5'-TCTGAGGGAATCTGCAAATGTATCTTTTAGTTGCCTCCCAGTATTTTTGCTATCAGTGAA[G>C]TATGCCAATTGTGTCTTCAATGACTCTTCTTCCTGAAAAGAGAATTCTACATGTAACTCA-3'